The following is an entry in ClinVar:

ClinVar aggregate classification (germline): Uncertain significance (0 of 4 stars; one submission).

Conditions:
X-linked central congenital hypothyroidism with late-onset testicular enlargement. Also called: Hypothyroidism, central, and testicular enlargement; HYPOTHYROIDISM, CENTRAL, WITH TESTICULAR ENLARGEMENT. Identifiers: Orphanet 329235, MedGen C3550963, MONDO:0010475, OMIM 300888.

Submission:

Leiden Open Variation Database
Classification: Uncertain significance for X-linked central congenital hypothyroidism with late-onset testicular enlargement. Last evaluated: 2020-02-28. Review status: no assertion criteria provided. Collection method: curation. Allele origin: germline. Affected: yes.
Comment: Curator: Arleen D. Auerbach. Submitter to LOVD: Yu Sun.

NM_000136.3(FANCC):c.996+979_996+983del

Genes: AOPEP (aminopeptidase O (putative); plus strand), FANCC (FA complementation group C; minus strand). Cytogenetic location: 9q22.32.
Variant type: Deletion.
Coding change: c.996+979_996+983del on transcript NM_000136.3 (MANE Select); bases 979 to 983 of the intron after coding-DNA position 996, 5 bases deleted (TTTTG; older notation c.996+979_996+983delTTTTG).
Molecular consequence: intron variant.
Genome position (GRCh38, 1-based): chr9:95,124,103-95,124,107, CAAAA deleted on the plus strand (TTTTG on the coding strand, the reverse complement: FANCC is on the minus strand). VCF-style (leftmost placement, unchanged base first): chr9-95124102-TCAAAA-T. GRCh37 (hg19) VCF-style: chr9-97886384-TCAAAA-T.
Other names: c.996+979_996+983del (NM_001243743.2, NM_001243744.2).
Identifiers: ClinVar variation 929812 (VCV000929812.1), dbSNP rs1825561401, ClinGen allele CA1139661058.